The following is an entry in ClinVar:

NM_001164508.2(NEB):c.17333G>A (p.Ser5778Asn)

Gene: NEB (nebulin; minus strand). Cytogenetic location: 2q23.3.
Variant type: single nucleotide variant.
Coding change: c.17333G>A on transcript NM_001164508.2 (MANE Select); coding-DNA position 17333, G replaced by A.
Protein change: p.Ser5778Asn; replaces serine 5778 with asparagine.
Molecular consequence: missense variant.
Genome position (GRCh38, 1-based): chr2:151,570,178, C>T on the plus strand (G>A on the coding strand, the complement: NEB is on the minus strand). VCF-style: chr2-151570178-C-T. GRCh37 (hg19) VCF-style: chr2-152426692-C-T.
Other names: c.12230G>A, p.Ser4077Asn (NM_004543.5); c.17333G>A, p.Ser5778Asn (NM_001164507.2, NM_001271208.2); short protein forms S4077N, S5778N.
Identifiers: ClinVar variation 1441355 (VCV001441355.8), dbSNP rs2153752911, ClinGen allele CA348807732.

ClinVar aggregate classification (germline): Uncertain significance (1 of 4 stars; one submission).

Conditions:
Nemaline myopathy 2 (NEM2). Also called: Nemaline myopathy 2, autosomal recessive. Identifiers: MedGen C1850569, MONDO:0009725, OMIM 256030.

Submission:

Labcorp Genetics (formerly Invitae), Labcorp
Classification: Uncertain significance for Nemaline myopathy 2. Last evaluated: 2022-03-22. Review status: criteria provided, single submitter. Criteria: Invitae Variant Classification Sherloc (09022015). Collection method: clinical testing. Allele origin: germline.
Comment: This variant has not been reported in the literature in individuals affected with NEB-related conditions. In summary, the available evidence is currently insufficient to determine the role of this variant in disease. Therefore, it has been classified as a Variant of Uncertain Significance. Algorithms developed to predict the effect of missense changes on protein structure and function are either unavailable or do not agree on the potential impact of this missense change (SIFT: "Deleterious"; PolyPhen-2: "Not Available"; Align-GVGD: "Class C0"). This variant is not present in population databases (gnomAD no frequency). This sequence change replaces serine, which is neutral and polar, with asparagine, which is neutral and polar, at codon 5778 of the NEB protein (p.Ser5778Asn).